The following is an entry in ClinVar:

NM_001267550.2(TTN):c.95270T>C (p.Ile31757Thr)

Genes: TTN (titin; minus strand), TTN-AS1 (TTN antisense RNA 1; plus strand). Cytogenetic location: 2q31.2.
Variant type: single nucleotide variant.
Coding change: c.95270T>C on transcript NM_001267550.2 (MANE Select); coding-DNA position 95270, T replaced by C.
Protein change: p.Ile31757Thr; replaces isoleucine 31757 with threonine.
Molecular consequence: missense variant.
Genome position (GRCh38, 1-based): chr2:178,545,966, A>G on the plus strand (T>C on the coding strand, the complement: TTN is on the minus strand). VCF-style: chr2-178545966-A-G. GRCh37 (hg19) VCF-style: chr2-179410693-A-G.
Other names: p.I30116T:ATT>ACT; c.90347T>C, p.Ile30116Thr (NM_001256850.1); c.68075T>C, p.Ile22692Thr (NM_003319.4); c.87566T>C, p.Ile29189Thr (NM_133378.4); c.68450T>C, p.Ile22817Thr (NM_133432.3); c.68651T>C, p.Ile22884Thr (NM_133437.4); c.95270T>C (NM_001267550.1); short protein forms I29189T, I31757T, I30116T, I22817T, I22692T, I22884T.
Identifiers: ClinVar variation 96316 (VCV000096316.69), dbSNP rs72648259, ClinGen allele CA181612.

ClinVar aggregate classification (germline): Conflicting classifications of pathogenicity. Review status: criteria provided, conflicting classifications (1 of 4 stars). 21 submissions from 17 submitters: Uncertain significance (12); Benign (2); Likely benign (7). Last evaluated 2026-06-18.

Conditions:
TTN-related disorder. Also called: TTN-related disorders; TTN-related condition; TTN-related disease.
Cardiovascular phenotype. Identifiers: MedGen CN230736.
Dilated cardiomyopathy 1G (CMD1G). Identifiers: Orphanet 154, MedGen C1858763, MONDO:0011400, OMIM 604145.
Autosomal recessive limb-girdle muscular dystrophy type 2J (LGMDR10). Also called: Limb-girdle muscular dystrophy, type 2J; MUSCULAR DYSTROPHY, LIMB-GIRDLE, AUTOSOMAL RECESSIVE 10. Identifiers: Orphanet 140922, MedGen C1837342, MONDO:0012127, OMIM 608807.
Tibial muscular dystrophy (TMD). Also called: UDD MYOPATHY; Tibial muscular dystrophy, tardive; Udd Distal Myopathy – Tibial Muscular Dystrophy. Identifiers: Orphanet 609, MedGen C1838244, MONDO:0010870, OMIM 600334.
Early-onset myopathy with fatal cardiomyopathy (CMYO5). Also called: Salih Myopathy; CONGENITAL MYOPATHY 5 WITH CARDIOMYOPATHY. Identifiers: Orphanet 289377, MedGen C2673677, MONDO:0012714, OMIM 611705. Disease mechanism: loss of function.
Myopathy, myofibrillar, 9, with early respiratory failure (MFM9). Also called: Hereditary myopathy with early respiratory failure; MYOPATHY, PROXIMAL, WITH EARLY RESPIRATORY MUSCLE INVOLVEMENT; Myopathy, distal, with early respiratory failure, autosomal dominant; EDSTROM MYOPATHY. Identifiers: Orphanet 178464, Orphanet 34521, MedGen C1863599, MONDO:0011362, OMIM 603689.
Hypertrophic cardiomyopathy 9. Also called: Familial hypertrophic cardiomyopathy 9. Identifiers: MedGen C1861065, MONDO:0013412, OMIM 613765.
Cardiomyopathy (CMYO). Also called: Cardiomyopathies. Identifiers: Orphanet 167848, MedGen C0878544, MONDO:0004994, HP:0001638. Inheritance: Various modes of inheritance.

Allele frequency attached by ClinVar (database versions not stated): ExAC 0.00041; 1000 Genomes Project 30x 0.00047; gnomAD 0.00048 and 0.00046; gnomAD exomes 0.00054 and 0.00039; 1000 Genomes Project 0.00040; TOPMed 0.00050; ESP Exome Variant Server 0.00016.
gnomAD v4.1: 868 of 1,613,846 alleles (0.054%); highest among the groups gnomAD compares: Non-Finnish European, 0.062%; no homozygotes.

Submissions (21):

Greenwood Genetic Center Diagnostic Laboratories, Greenwood Genetic Center
Classification: Uncertain significance. Last evaluated: 2026-06-18. Review status: criteria provided, single submitter. Criteria: ACMG Guidelines, 2015. Collection method: clinical testing. Allele origin: germline.
Comment: PM2, PP2

PreventionGenetics, part of Exact Sciences
Classification: Likely benign for TTN-related condition. Last evaluated: 2025-10-13. Review status: criteria provided, single submitter. Criteria: ACMG Guidelines, 2015. Collection method: clinical testing. Allele origin: germline.
Comment: This variant is classified as likely benign based on ACMG/AMP sequence variant interpretation guidelines (Richards et al. 2015 PMID: 25741868, with internal and published modifications).

GeneDx
Classification: Uncertain significance. Last evaluated: 2025-10-12. Review status: criteria provided, single submitter. Criteria: GeneDx Variant Classification Process June 2021. Collection method: clinical testing. Allele origin: germline. Affected: yes.
Comment: Reported in individuals with DCM or HCM, although most probands harbored additional cardiogenetic variants (PMID: 23396983, 26567375); Identified in a cohort of stillbirths without chromosome abnormalities (PMID: 30615648); In silico analysis supports that this missense variant has a deleterious effect on protein structure/function; This variant is associated with the following publications: (PMID: 24636144, 26567375, 23861362, 26516846, 23396983, 30615648, 24578547)

CeGaT Center for Human Genetics Tuebingen
Classification: Likely benign. Last evaluated: 2025-09-01. Review status: criteria provided, single submitter. Criteria: CeGaT Center For Human Genetics Tuebingen Variant Classification Criteria Version 2. Collection method: clinical testing. Allele origin: germline. Affected: yes. Observed: 7 variant alleles.
Comment: TTN: BP1

Women's Health and Genetics/Laboratory Corporation of America, LabCorp
Classification: Likely benign. Last evaluated: 2025-06-10. Review status: criteria provided, single submitter. Criteria: LabCorp Variant Classification Summary - May 2015. Collection method: clinical testing. Allele origin: germline.
Comment: Variant summary: TTN c.87566T>C (p.Ile29189Thr) results in a non-conservative amino acid change located in the A-band region of the encoded protein sequence. Algorithms developed to predict the effect of missense changes on protein structure and function are either unavailable or do not agree on the potential impact of this missense change. The variant allele was found at a frequency of 0.00039 in 248652 control chromosomes, predominantly at a frequency of 0.00057 within the Non-Finnish European subpopulation in the gnomAD database. The observed variant frequency within Non-Finnish European control individuals in the gnomAD database is approximately 1.46 fold of the estimated maximal expected allele frequency for a pathogenic variant in TTN causing Dilated Cardiomyopathy phenotype (0.00039). c.87566T>C has been reported in the literature in individuals affected with dilated cardiomyopathy, hypertrophic cardiomyopathy, and a stillbirth case without strong evidence of causality (Lopes_2013, Begay_2015, Campuzano_2015, Sahlin_2018). These report(s) do not provide unequivocal conclusions about association of the variant with Dilated Cardiomyopathy. To our knowledge, no experimental evidence demonstrating an impact on protein function has been reported. The following publications have been ascertained in the context of this evaluation (PMID: 26567375, 26516846, 23396983, 30615648). ClinVar contains an entry for this variant (Variation ID: 96316). Based on the evidence outlined above, the variant was classified as likely benign.

Molecular Diagnostic Laboratory for Inherited Cardiovascular Disease, Montreal Heart Institute
Classification: Likely benign. Last evaluated: 2025-04-09. Review status: criteria provided, single submitter. Criteria: ACMG Guidelines, 2015. Collection method: clinical testing. Allele origin: germline. Affected: no.

Mayo Clinic Laboratories, Mayo Clinic
Classification: Uncertain significance. Last evaluated: 2025-03-26. Review status: criteria provided, single submitter. Criteria: ACMG Guidelines, 2015. Collection method: clinical testing. Allele origin: germline. Observed: 2 variant alleles.

Blueprint Genetics
Classification: Likely benign. Last evaluated: 2024-11-21. Review status: criteria provided, single submitter. Criteria: ACMG Guidelines, 2015. Collection method: clinical testing. Allele origin: germline.

Revvity Omics, Revvity
Classification: Uncertain significance. Last evaluated: 2024-05-22. Review status: criteria provided, single submitter. Criteria: ACMG Guidelines, 2015. Collection method: clinical testing. Allele origin: germline.

Department of Pathology and Laboratory Medicine, Sinai Health System
Classification: Uncertain significance for Tibial muscular dystrophy; Myopathy, myofibrillar, 9, with early respiratory failure; Dilated cardiomyopathy 1G; Autosomal recessive limb-girdle muscular dystrophy type 2J; Early-onset myopathy with fatal cardiomyopathy; Hypertrophic cardiomyopathy 9. Last evaluated: 2022-05-24. Review status: criteria provided, single submitter. Criteria: ACMG Guidelines, 2015. Collection method: research. Allele origin: germline.

Ambry Genetics
Classification: Likely benign for Cardiovascular phenotype. Last evaluated: 2020-04-01. Review status: criteria provided, single submitter. Criteria: Ambry Variant Classification Scheme 2023. Collection method: clinical testing. Allele origin: germline.

Eurofins Ntd Llc (ga)
Classification: Uncertain significance. Last evaluated: 2018-05-31. Review status: criteria provided, single submitter. Criteria: EGL ClinVar v180209 classification definitions. Collection method: clinical testing. Allele origin: germline. Observed: 8 variant alleles, 8 heterozygotes.

CHEO Genetics Diagnostic Laboratory, Children's Hospital of Eastern Ontario
Classification: Likely benign for Cardiomyopathy. Last evaluated: 2018-03-01. Review status: criteria provided, single submitter. Criteria: ACMG Guidelines, 2015. Collection method: clinical testing. Allele origin: germline.

Illumina Laboratory Services, Illumina
Classification: Uncertain significance for Autosomal recessive limb-girdle muscular dystrophy type 2J. Last evaluated: 2018-01-13. Review status: criteria provided, single submitter. Criteria: ICSL Variant Classification Criteria 13 December 2019. Collection method: clinical testing. Allele origin: germline.

Illumina Laboratory Services, Illumina
Classification: Benign for Tibial muscular dystrophy. Last evaluated: 2018-01-13. Review status: criteria provided, single submitter. Criteria: ICSL Variant Classification Criteria 13 December 2019. Collection method: clinical testing. Allele origin: germline.
Comment: This variant was observed in the ICSL laboratory as part of a predisposition screen in an ostensibly healthy population. It had not been previously curated by ICSL or reported in the Human Gene Mutation Database (HGMD: prior to June 1st, 2018), and was therefore a candidate for classification through an automated scoring system. Utilizing variant allele frequency, disease prevalence and penetrance estimates, and inheritance mode, an automated score was calculated to assess if this variant is too frequent to cause the disease. Based on the score and internal cut-off values, a variant classified as benign is not then subjected to further curation. The score for this variant resulted in a classification of benign for this disease.

Illumina Laboratory Services, Illumina
Classification: Benign for Myopathy, myofibrillar, 9, with early respiratory failure. Last evaluated: 2018-01-13. Review status: criteria provided, single submitter. Criteria: ICSL Variant Classification Criteria 13 December 2019. Collection method: clinical testing. Allele origin: germline.
Comment: the same text as in the submission from Illumina Laboratory Services, Illumina above.

Illumina Laboratory Services, Illumina
Classification: Uncertain significance for Dilated cardiomyopathy 1G. Last evaluated: 2018-01-13. Review status: criteria provided, single submitter. Criteria: ICSL Variant Classification Criteria 13 December 2019. Collection method: clinical testing. Allele origin: germline.

Illumina Laboratory Services, Illumina
Classification: Uncertain significance for Early-onset myopathy with fatal cardiomyopathy. Last evaluated: 2018-01-13. Review status: criteria provided, single submitter. Criteria: ICSL Variant Classification Criteria 13 December 2019. Collection method: clinical testing. Allele origin: germline.

Labcorp Genetics (formerly Invitae), Labcorp
Classification: Uncertain significance for Dilated cardiomyopathy 1G; Autosomal recessive limb-girdle muscular dystrophy type 2J. Last evaluated: 2018-01-03. Review status: criteria provided, single submitter. Criteria: Invitae Variant Classification Sherloc (09022015). Collection method: clinical testing. Allele origin: germline.

Laboratory for Molecular Medicine, Mass General Brigham Personalized Medicine
Classification: Uncertain significance. Last evaluated: 2013-09-20. Review status: criteria provided, single submitter. Criteria: LMM Criteria. Collection method: clinical testing. Allele origin: germline. Observed: 2 variant alleles.
Comment: The Ile29189Thr variant in TTN has now been identified by our laboratory in 2 in dividuals with cardiomyopathy (1 child with WPW and clinical features of Danon d isease and 1 infant with cardiomyopathy). It has also been identified in 2/8370 European American chromosomes by the NHLBI Exome Sequencing Project (.; dbSNP rs72648259). Computational analyses (biochemical a mino acid properties, conservation, AlignGVGD, PolyPhen2, and SIFT) do not provi de strong support for or against an impact to the protein. At this time, additio nal information is needed to fully assess the clinical significance of this vari ant.

Biesecker Lab/Clinical Genomics Section, National Institutes of Health
Classification: Uncertain significance. Last evaluated: 2013-06-24. Review status: criteria provided, single submitter. Criteria: Ng et al. (Circ Cardiovasc Genet. 2013). Collection method: research. Allele origin: unknown. Observed: 1 variant allele. Study: ClinSeq.
Comment: The study set was not selected for affection status in relation to any cancer. Pathogenicity categories were based on literature curation. See Pubmed ID:23861362 for details.

Medical sequencing

Literature cited by the submitters: PubMed 23396983 (cited by Women's Health and Genetics/Laboratory Corporation of America, LabCorp and Ambry Genetics); PubMed 30615648 (cited by Women's Health and Genetics/Laboratory Corporation of America, LabCorp and Mayo Clinic Laboratories, Mayo Clinic); PubMed 26516846 (cited by Women's Health and Genetics/Laboratory Corporation of America, LabCorp and Mayo Clinic Laboratories, Mayo Clinic); PubMed 26567375 (cited by 3 submitters); PubMed 23861362 (cited by Mayo Clinic Laboratories, Mayo Clinic and Ambry Genetics); PubMed 24636144 (cited by Mayo Clinic Laboratories, Mayo Clinic).